The following is an entry in ClinVar:

NC_000011.9:g.(?_20673815)_(20676414_?)dup

Gene: SLC6A5 (solute carrier family 6 member 5; plus strand). Cytogenetic location: 11p15.1.
Variant type: Duplication.
Identifiers: ClinVar variation 1411101 (VCV001411101.5).

ClinVar aggregate classification (germline): Uncertain significance (1 of 4 stars; one submission).

Conditions:
Hyperekplexia 3 (HKPX3). Also called: HYPEREKPLEXIA 3, AUTOSOMAL RECESSIVE; HYPEREKPLEXIA 3, AUTOSOMAL DOMINANT. Identifiers: Orphanet 3197, MedGen C3553288, MONDO:0013827, OMIM 614618.

Submission:

Labcorp Genetics (formerly Invitae), Labcorp
Classification: Uncertain significance for Hyperekplexia 3. Last evaluated: 2023-04-22. Review status: criteria provided, single submitter. Criteria: Invitae Variant Classification Sherloc (09022015). Collection method: clinical testing. Allele origin: germline.
Comment: This variant has not been reported in the literature in individuals affected with SLC6A5-related conditions. In summary, the available evidence is currently insufficient to determine the role of this variant in disease. Therefore, it has been classified as a Variant of Uncertain Significance. Experimental studies and prediction algorithms are not available or were not evaluated, and the functional significance of this variant is currently unknown. This variant results in a copy number gain of the genomic region encompassing exon(s) 15-16 of the SLC6A5 gene. This region includes the termination codon of the gene. This copy number gain extends beyond the assayed region for this gene and therefore may encompass additional genes. As the precise location of this event is unknown, it may be in tandem or it may be located elsewhere in the genome.